The following is an entry in ClinVar:

NM_206933.4(USH2A):c.4626T>C (p.Thr1542=)

Gene: USH2A (usherin; minus strand). Cytogenetic location: 1q41.
Variant type: single nucleotide variant.
Coding change: c.4626T>C on transcript NM_206933.4 (MANE Select); coding-DNA position 4626, T replaced by C.
Protein change: p.Thr1542=; no amino-acid change (threonine 1542 retained).
Molecular consequence: synonymous variant.
Genome position (GRCh38, 1-based): chr1:216,175,253, A>G on the plus strand (T>C on the coding strand, the complement: USH2A is on the minus strand). VCF-style: chr1-216175253-A-G. GRCh37 (hg19) VCF-style: chr1-216348595-A-G.
Other names: c.4626T>C, p.Thr1542= (NM_007123.6).
Identifiers: ClinVar variation 2155983 (VCV002155983.3), dbSNP rs371832638, ClinGen allele CA37492693.

ClinVar aggregate classification (germline): Uncertain significance (1 of 4 stars; one submission).

Allele frequency attached by ClinVar (database versions not stated): gnomAD 0.00001; TOPMed 0.00002; ESP Exome Variant Server 0.00008.
gnomAD v4.1: 3 of 1,613,578 alleles (0.00019%); highest among the groups gnomAD compares: African/African-American, 0.0027%; no homozygotes.

Submission:

Labcorp Genetics (formerly Invitae), Labcorp
Classification: Uncertain significance. Last evaluated: 2023-07-10. Review status: criteria provided, single submitter. Criteria: Invitae Variant Classification Sherloc (09022015). Collection method: clinical testing. Allele origin: germline.
Comment: Algorithms developed to predict the effect of sequence changes on RNA splicing suggest that this variant is not likely to affect RNA splicing. This sequence change affects codon 1542 of the USH2A mRNA. It is a 'silent' change, meaning that it does not change the encoded amino acid sequence of the USH2A protein. It affects a nucleotide within the consensus splice site. This variant is present in population databases (rs371832638, gnomAD 0.01%). This variant has not been reported in the literature in individuals affected with USH2A-related conditions. ClinVar contains an entry for this variant (Variation ID: 2155983). In summary, the available evidence is currently insufficient to determine the role of this variant in disease. Therefore, it has been classified as a Variant of Uncertain Significance.